The following is an entry in ClinVar:

NM_001363711.2(DUOX2):c.4157G>C (p.Gly1386Ala)

Gene: DUOX2 (dual oxidase 2; minus strand). Cytogenetic location: 15q21.1.
Variant type: single nucleotide variant.
Coding change: c.4157G>C on transcript NM_001363711.2 (MANE Select); coding-DNA position 4157, G replaced by C.
Protein change: p.Gly1386Ala; replaces glycine 1386 with alanine.
Molecular consequence: missense variant.
Genome position (GRCh38, 1-based): chr15:45,095,519, C>G on the plus strand (G>C on the coding strand, the complement: DUOX2 is on the minus strand). VCF-style: chr15-45095519-C-G. GRCh37 (hg19) VCF-style: chr15-45387717-C-G.
Other names: c.4157G>C, p.Gly1386Ala (NM_014080.5); short protein forms G1386A.
Identifiers: ClinVar variation 1479364 (VCV001479364.8), dbSNP rs2141139878, ClinGen allele CA392251583.

ClinVar aggregate classification (germline): Uncertain significance (1 of 4 stars; one submission).

Submission:

Labcorp Genetics (formerly Invitae), Labcorp
Classification: Uncertain significance. Last evaluated: 2024-05-26. Review status: criteria provided, single submitter. Criteria: Invitae Variant Classification Sherloc (09022015). Collection method: clinical testing. Allele origin: germline.
Comment: This sequence change replaces glycine, which is neutral and non-polar, with alanine, which is neutral and non-polar, at codon 1386 of the DUOX2 protein (p.Gly1386Ala). This variant is not present in population databases (gnomAD no frequency). This variant has not been reported in the literature in individuals affected with DUOX2-related conditions. ClinVar contains an entry for this variant (Variation ID: 1479364). Advanced modeling of protein sequence and biophysical properties (such as structural, functional, and spatial information, amino acid conservation, physicochemical variation, residue mobility, and thermodynamic stability) performed at Invitae indicates that this missense variant is expected to disrupt DUOX2 protein function with a positive predictive value of 80%. In summary, the available evidence is currently insufficient to determine the role of this variant in disease. Therefore, it has been classified as a Variant of Uncertain Significance.